The following is an entry in ClinVar:

NM_012469.4(PRPF6):c.1123A>T (p.Ile375Phe)

Gene: PRPF6 (pre-mRNA processing factor 6; plus strand). Cytogenetic location: 20q13.33.
Variant type: single nucleotide variant.
Coding change: c.1123A>T on transcript NM_012469.4 (MANE Select); coding-DNA position 1123, A replaced by T.
Protein change: p.Ile375Phe; replaces isoleucine 375 with phenylalanine.
Molecular consequence: missense variant.
Genome position (GRCh38, 1-based): chr20:64,001,176, A>T. VCF-style: chr20-64001176-A-T. GRCh37 (hg19) VCF-style: chr20-62632529-A-T.
Other names: short protein forms I375F.
Identifiers: ClinVar variation 1720972 (VCV001720972.5), dbSNP rs2517625258, ClinGen allele CA409720874.

ClinVar aggregate classification (germline): Uncertain significance (1 of 4 stars; one submission).

Allele frequency attached by ClinVar (database versions not stated): gnomAD exomes below 0.00001.
gnomAD v4.1: 1 of 1,614,168 alleles (0.000062%); highest among the groups gnomAD compares: Non-Finnish European, 0.000085%; no homozygotes.

Submission:

Labcorp Genetics (formerly Invitae), Labcorp
Classification: Uncertain significance. Last evaluated: 2022-07-20. Review status: criteria provided, single submitter. Criteria: Invitae Variant Classification Sherloc (09022015). Collection method: clinical testing. Allele origin: germline.
Comment: In summary, the available evidence is currently insufficient to determine the role of this variant in disease. Therefore, it has been classified as a Variant of Uncertain Significance. Algorithms developed to predict the effect of missense changes on protein structure and function (SIFT, PolyPhen-2, Align-GVGD) all suggest that this variant is likely to be tolerated. This variant has not been reported in the literature in individuals affected with PRPF6-related conditions. This variant is not present in population databases (gnomAD no frequency). This sequence change replaces isoleucine, which is neutral and non-polar, with phenylalanine, which is neutral and non-polar, at codon 375 of the PRPF6 protein (p.Ile375Phe).